The following is an entry in ClinVar:

ClinVar aggregate classification (germline): Benign/Likely benign. Review status: criteria provided, multiple submitters, no conflicts (2 of 4 stars). 2 submissions from 2 submitters: Benign (1); Likely benign (1). Last evaluated 2025-01-30.

Conditions:
Hereditary cancer-predisposing syndrome. Also called: Neoplastic Syndromes, Hereditary; Tumor predisposition; Hereditary Cancer Syndrome; Hereditary neoplastic syndrome. Identifiers: Orphanet 140162, MedGen C0027672, MeSH D009386, MONDO:0015356.
Lynch syndrome 4 (LYNCH4). Also called: Colorectal cancer, hereditary nonpolyposis, type 4; Hereditary non-polyposis colorectal cancer, type 4. Identifiers: Orphanet 144, MedGen C1838333, MONDO:0013699, OMIM 614337. Disease mechanism: loss of function.

Submissions (2):

Myriad Genetics, Inc.
Classification: Benign for Lynch syndrome 4. Last evaluated: 2025-01-30. Review status: criteria provided, single submitter. Criteria: Myriad Autosomal Dominant, Autosomal Recessive and X-Linked Classification Criteria (2023). Collection method: clinical testing. Allele origin: unknown.
Comment: This variant is considered benign. This variant is a silent/synonymous amino acid change and it is not expected to impact splicing.

Color Diagnostics, LLC DBA Color Health
Classification: Likely benign for Hereditary cancer-predisposing syndrome. Last evaluated: 2019-12-20. Review status: criteria provided, single submitter. Criteria: ACMG Guidelines, 2015. Collection method: clinical testing. Allele origin: germline.

NM_000535.7(PMS2):c.1329A>G (p.Arg443=)

Gene: PMS2 (PMS1 homolog 2, mismatch repair system component; minus strand). Cytogenetic location: 7p22.1.
Variant type: single nucleotide variant.
Coding change: c.1329A>G on transcript NM_000535.7 (MANE Select); coding-DNA position 1329, A replaced by G.
Protein change: p.Arg443=; no amino-acid change (arginine 443 retained).
Molecular consequence: synonymous variant. On other transcripts: non-coding transcript variant (1).
Genome position (GRCh38, 1-based): chr7:5,987,436, T>C on the plus strand (A>G on the coding strand, the complement: PMS2 is on the minus strand). VCF-style: chr7-5987436-T-C. GRCh37 (hg19) VCF-style: chr7-6027067-T-C.
Other names: c.924A>G, p.Arg308= (NM_001322003.2, NM_001322004.2, NM_001322005.2 and 1 more transcripts); c.1173A>G, p.Arg391= (NM_001322006.2); c.1011A>G, p.Arg337= (NM_001322007.2, NM_001322008.2); c.768A>G, p.Arg256= (NM_001322010.2); c.396A>G, p.Arg132= (NM_001322011.2, NM_001322012.2); c.756A>G, p.Arg252= (NM_001322013.2); c.1329A>G, p.Arg443= (NM_001322014.2); c.1020A>G, p.Arg340= (NM_001322015.2).
Identifiers: ClinVar variation 921713 (VCV000921713.3), dbSNP rs192720342, ClinGen allele CA453747042.
Genomic context (GRCh38, chr7:5,987,436, plus strand): 5'-AGAGATGGCACCTGAAGTGCTAGAAGACAGCATACCCCTTTTCTGTCCTAGAGGGCTCCT[T>C]CTTGGTTCTGGAGTCTTTGGGCTGTGAGGCTTGTTCTCTGTTGTGTGACGAAGAGAAAAG-3'
Protein context (NP_000526.2, residues 433-453): KPHSPKTPEP[Arg443=]RSPLGQKRGM